The following is an entry in ClinVar:

ClinVar aggregate classification (germline): Uncertain significance (1 of 4 stars; one submission).

Submission:

Labcorp Genetics (formerly Invitae), Labcorp
Classification: Uncertain significance. Last evaluated: 2024-11-27. Review status: criteria provided, single submitter. Criteria: Invitae Variant Classification Sherloc (09022015). Collection method: clinical testing. Allele origin: germline.
Comment: This sequence change replaces aspartic acid, which is acidic and polar, with valine, which is neutral and non-polar, at codon 883 of the MSH3 protein (p.Asp883Val). This variant is not present in population databases (gnomAD no frequency). This variant has not been reported in the literature in individuals affected with MSH3-related conditions. An algorithm developed to predict the effect of missense changes on protein structure and function (PolyPhen-2) suggests that this variant is likely to be tolerated. In summary, the available evidence is currently insufficient to determine the role of this variant in disease. Therefore, it has been classified as a Variant of Uncertain Significance.

NM_002439.5(MSH3):c.2648A>T (p.Asp883Val)

Gene: MSH3 (mutS homolog 3; plus strand). Cytogenetic location: 5q14.1.
Variant type: single nucleotide variant.
Coding change: c.2648A>T on transcript NM_002439.5 (MANE Select); coding-DNA position 2648, A replaced by T.
Protein change: p.Asp883Val; replaces aspartic acid 883 with valine.
Molecular consequence: missense variant.
Genome position (GRCh38, 1-based): chr5:80,792,837, A>T. VCF-style: chr5-80792837-A-T. GRCh37 (hg19) VCF-style: chr5-80088656-A-T.
Other names: short protein forms D883V.
Identifiers: ClinVar variation 3669540 (VCV003669540.2).
Genomic context (GRCh38, chr5:80,792,837, plus strand): 5'-GGCACCCTGTGATTGATGTGTTGCTGGGAGAACAGGATCAATATGTCCCAAATAATACAG[A>T]TTTATCAGTAAGTACCTTATGCCAAAAAATAAGTCGATGATAACATCCCAAACTTTTACA-3'
Protein context (NP_002430.3, residues 873-893): EQDQYVPNNT[Asp883Val]LSEDSERVMI